The following is an entry in ClinVar:

NM_033026.6(PCLO):c.4892A>T (p.Asp1631Val)

Gene: PCLO (piccolo presynaptic cytomatrix protein; minus strand). Cytogenetic location: 7q21.11.
Variant type: single nucleotide variant.
Coding change: c.4892A>T on transcript NM_033026.6 (MANE Select); coding-DNA position 4892, A replaced by T.
Protein change: p.Asp1631Val; replaces aspartic acid 1631 with valine.
Molecular consequence: missense variant.
Genome position (GRCh38, 1-based): chr7:82,956,061, T>A on the plus strand (A>T on the coding strand, the complement: PCLO is on the minus strand). VCF-style: chr7-82956061-T-A. GRCh37 (hg19) VCF-style: chr7-82585377-T-A.
Other names: c.4892A>T, p.Asp1631Val (NM_014510.3); short protein forms D1631V.
Identifiers: ClinVar variation 1028494 (VCV001028494.9), dbSNP rs1795508585, ClinGen allele CA367925741.
Genomic context (GRCh38, chr7:82,956,061, plus strand): 5'-TGACTTTTAGTTTCTCTGTATTTAAGTTCAGGACTTTCATCAAATGCTTCATCGTCTTCA[T>A]CATGCCATGAGTGACGTCTTCCTGCATCTTCATCAATGCTTGTGCTACTTTTTCGAGTCA-3'
Protein context (NP_149015.2, residues 1621-1641): EDAGRRHSWH[Asp1631Val]EDDEAFDESP

ClinVar aggregate classification (germline): Uncertain significance. Review status: criteria provided, multiple submitters, no conflicts (2 of 4 stars). 3 submissions from 3 submitters: Uncertain significance (3). Last evaluated 2022-07-26.

Conditions:
Pontocerebellar hypoplasia type 3 (PCH3). Also called: PCH WITH OPTIC ATROPHY; CEREBELLAR ATROPHY WITH PROGRESSIVE MICROCEPHALY. Identifiers: Orphanet 97249, MedGen C1842687, MONDO:0011948, OMIM 608027.

Submissions (3):

Labcorp Genetics (formerly Invitae), Labcorp
Classification: Uncertain significance. Last evaluated: 2022-07-26. Review status: criteria provided, single submitter. Criteria: Invitae Variant Classification Sherloc (09022015). Collection method: clinical testing. Allele origin: germline.
Comment: This sequence change replaces aspartic acid, which is acidic and polar, with valine, which is neutral and non-polar, at codon 1631 of the PCLO protein (p.Asp1631Val). In summary, the available evidence is currently insufficient to determine the role of this variant in disease. Therefore, it has been classified as a Variant of Uncertain Significance. Algorithms developed to predict the effect of missense changes on protein structure and function are either unavailable or do not agree on the potential impact of this missense change (SIFT: "Deleterious"; PolyPhen-2: "Not Available"; Align-GVGD: "Class C0"). ClinVar contains an entry for this variant (Variation ID: 1028494). This variant has not been reported in the literature in individuals affected with PCLO-related conditions. This variant is not present in population databases (gnomAD no frequency).

Daryl Scott Lab, Baylor College of Medicine
Classification: Uncertain significance for Pontocerebellar hypoplasia type 3. Last evaluated: 2022-02-01. Review status: criteria provided, single submitter. Criteria: ACMG Guidelines, 2015. Collection method: clinical testing. Allele origin: unknown. Observed: 1 variant allele, 1 compound heterozygote.

Baylor Genetics
Classification: Uncertain significance for Pontocerebellar hypoplasia type 3. Last evaluated: 2019-12-24. Review status: criteria provided, single submitter. Criteria: ACMG Guidelines, 2015. Collection method: clinical testing. Allele origin: unknown. Affected: yes.
Comment: This variant was determined to be of uncertain significance according to ACMG Guidelines, 2015 [PMID:25741868].

Literature cited by the submitters: PubMed 36474027 (cited by Daryl Scott Lab, Baylor College of Medicine).